The following is an entry in ClinVar:

NM_000268.4(NF2):c.41T>C (p.Leu14Pro)

Gene: NF2 (NF2, moesin-ezrin-radixin like (MERLIN) tumor suppressor; plus strand). Cytogenetic location: 22q12.2.
Variant type: single nucleotide variant.
Coding change: c.41T>C on transcript NM_000268.4 (MANE Select); coding-DNA position 41, T replaced by C.
Protein change: p.Leu14Pro; replaces leucine 14 with proline.
Molecular consequence: missense variant. On other transcripts: 5 prime UTR variant (4), non-coding transcript variant (1).
Genome position (GRCh38, 1-based): chr22:29,604,039, T>C. VCF-style: chr22-29604039-T-C. GRCh37 (hg19) VCF-style: chr22-30000028-T-C.
Other names: c.-190T>C (NM_001407053.1, NM_001407056.1); c.41T>C, p.Leu14Pro (NM_001407054.1, NM_001407055.1, NM_001407057.1 and 15 more transcripts); c.-600T>C (NM_001407065.1); c.-216T>C (NM_001407067.1); short protein forms L14P.
Identifiers: ClinVar variation 2453842 (VCV002453842.2), dbSNP rs2518226510, ClinGen allele CA411145901.

ClinVar aggregate classification (germline): Uncertain significance (1 of 4 stars; one submission).

Conditions:
Hereditary cancer-predisposing syndrome. Also called: Neoplastic Syndromes, Hereditary; Hereditary neoplastic syndrome; Tumor predisposition; Hereditary Cancer Syndrome. Identifiers: Orphanet 140162, MedGen C0027672, MeSH D009386, MONDO:0015356.

Submission:

Ambry Genetics
Classification: Uncertain significance for Hereditary cancer-predisposing syndrome. Last evaluated: 2023-02-21. Review status: criteria provided, single submitter. Criteria: Ambry Variant Classification Scheme 2023. Collection method: clinical testing. Allele origin: germline.
Comment: The p.L14P variant (also known as c.41T>C), located in coding exon 1 of the NF2 gene, results from a T to C substitution at nucleotide position 41. The leucine at codon 14 is replaced by proline, an amino acid with similar properties. This amino acid position is conserved. In addition, this alteration is predicted to be deleterious by in silico analysis. Since supporting evidence is limited at this time, the clinical significance of this alteration remains unclear.